The following is an entry in ClinVar:

NM_006929.5(SKIC2):c.2326C>T (p.Arg776Cys)

Gene: SKIC2 (SKI2 subunit of superkiller complex; plus strand). Cytogenetic location: 6p21.33.
Variant type: single nucleotide variant.
Coding change: c.2326C>T on transcript NM_006929.5 (MANE Select); coding-DNA position 2326, C replaced by T.
Protein change: p.Arg776Cys; replaces arginine 776 with cysteine.
Molecular consequence: missense variant.
Genome position (GRCh38, 1-based): chr6:31,966,832, C>T. VCF-style: chr6-31966832-C-T. GRCh37 (hg19) VCF-style: chr6-31934609-C-T.
Other names: short protein forms R776C.
Identifiers: ClinVar variation 2811713 (VCV002811713.2), dbSNP rs747674437, ClinGen allele CA3729731.

ClinVar aggregate classification (germline): Uncertain significance (1 of 4 stars; one submission).

Allele frequency attached by ClinVar (database versions not stated): TOPMed below 0.00001; ExAC 0.00001.
gnomAD v4.1: 61 of 1,614,130 alleles (0.0038%); highest among the groups gnomAD compares: Admixed American, 0.0083%; no homozygotes.

Submission:

Labcorp Genetics (formerly Invitae), Labcorp
Classification: Uncertain significance. Last evaluated: 2024-11-06. Review status: criteria provided, single submitter. Criteria: Invitae Variant Classification Sherloc (09022015). Collection method: clinical testing. Allele origin: germline.
Comment: This sequence change replaces arginine, which is basic and polar, with cysteine, which is neutral and slightly polar, at codon 776 of the SKIV2L protein (p.Arg776Cys). This variant is present in population databases (rs747674437, gnomAD 0.01%). This variant has not been reported in the literature in individuals affected with SKIV2L-related conditions. ClinVar contains an entry for this variant (Variation ID: 2811713). An algorithm developed to predict the effect of missense changes on protein structure and function (PolyPhen-2) suggests that this variant is likely to be disruptive. In summary, the available evidence is currently insufficient to determine the role of this variant in disease. Therefore, it has been classified as a Variant of Uncertain Significance.